The following is an entry in ClinVar:

ClinVar aggregate classification (germline): Uncertain significance. Review status: criteria provided, multiple submitters, no conflicts (2 of 4 stars). 2 submissions from 2 submitters: Uncertain significance (2). Last evaluated 2025-12-01.

Conditions:
Cardiovascular phenotype. Identifiers: MedGen CN230736.
Glycogen storage disease, type II (IOPD). Also called: Pompe Disease; Glycogen storage disease type 2; Acid maltase deficiency disease; Aglucosidase alfa; Deficiency of alpha-glucosidase; Deficiency of lysosomal alpha-glucosidase. Identifiers: Orphanet 365, MedGen C0017921, MONDO:0009290, OMIM 232300.

Allele frequency attached by ClinVar (database versions not stated): gnomAD exomes below 0.00001.
gnomAD v4.1: 1 of 1,611,388 alleles (0.000062%); highest among the groups gnomAD compares: Non-Finnish European, 0.000085%; no homozygotes.

Submissions (2):

Ambry Genetics
Classification: Uncertain significance for Cardiovascular phenotype. Last evaluated: 2025-12-01. Review status: criteria provided, single submitter. Criteria: Ambry Variant Classification Scheme 2023. Collection method: clinical testing. Allele origin: germline.
Comment: The p.P6S variant (also known as c.16C>T), located in coding exon 1 of the GAA gene, results from a C to T substitution at nucleotide position 16. The proline at codon 6 is replaced by serine, an amino acid with similar properties. This amino acid position is not well conserved in available vertebrate species. In addition, this alteration is predicted to be tolerated by in silico analysis. Based on the available evidence, the clinical significance of this variant remains unclear.

Labcorp Genetics (formerly Invitae), Labcorp
Classification: Uncertain significance for Glycogen storage disease, type II. Last evaluated: 2021-06-14. Review status: criteria provided, single submitter. Criteria: Invitae Variant Classification Sherloc (09022015). Collection method: clinical testing. Allele origin: germline.
Comment: This variant has not been reported in the literature in individuals with GAA-related conditions. This variant is not present in population databases (ExAC no frequency). This sequence change replaces proline with serine at codon 6 of the GAA protein (p.Pro6Ser). The proline residue is moderately conserved and there is a moderate physicochemical difference between proline and serine. Advanced modeling of protein sequence and biophysical properties (such as structural, functional, and spatial information, amino acid conservation, physicochemical variation, residue mobility, and thermodynamic stability) performed at Invitae indicates that this missense variant is not expected to disrupt GAA protein function. In summary, the available evidence is currently insufficient to determine the role of this variant in disease. Therefore, it has been classified as a Variant of Uncertain Significance.

NM_000152.5(GAA):c.16C>T (p.Pro6Ser)

Gene: GAA (alpha glucosidase; plus strand). Cytogenetic location: 17q25.3.
Variant type: single nucleotide variant.
Coding change: c.16C>T on transcript NM_000152.5 (MANE Select); coding-DNA position 16, C replaced by T.
Protein change: p.Pro6Ser; replaces proline 6 with serine.
Molecular consequence: missense variant.
Genome position (GRCh38, 1-based): chr17:80,104,602, C>T. VCF-style: chr17-80104602-C-T. GRCh37 (hg19) VCF-style: chr17-78078401-C-T.
Other names: c.16C>T, p.Pro6Ser (NM_001079803.3, NM_001079804.3); c.16C>T (NM_000152.3); short protein forms P6S.
Identifiers: ClinVar variation 1396416 (VCV001396416.9), dbSNP rs1424116613, ClinGen allele CA401359883.